The following is an entry in ClinVar:

NM_000284.4(PDHA1):c.1014_1039dup (p.Glu347delinsValMetTrpLysTer)

Gene: PDHA1 (pyruvate dehydrogenase E1 subunit alpha 1; plus strand). Cytogenetic location: Xp22.12.
Variant type: Duplication.
Coding change: c.1014_1039dup on transcript NM_000284.4 (MANE Select); coding-DNA positions 1014 to 1039, 26 bases duplicated (TGATGTGGAAGTGAGGAAGGAGATTG).
Protein change: p.Glu347delinsValMetTrpLysTer.
Molecular consequence: nonsense.
Genome position (GRCh38, 1-based): chrX:19,359,494-19,359,519, TGATGTGGAAGTGAGGAAGGAGATTG duplicated. VCF-style (leftmost placement, unchanged base first): chrX-19359493-T-TTGATGTGGAAGTGAGGAAGGAGATTG. GRCh37 (hg19) VCF-style: chrX-19377611-T-TTGATGTGGAAGTGAGGAAGGAGATTG.
Other names: c.1128_1153dup, p.Glu385delinsValMetTrpLysTer (NM_001173454.2); c.1035_1060dup, p.Glu354delinsValMetTrpLysTer (NM_001173455.2); c.921_946dup, p.Glu316delinsValMetTrpLysTer (NM_001173456.2).
Identifiers: ClinVar variation 4813717 (VCV004813717.1).

ClinVar aggregate classification (germline): Pathogenic (1 of 4 stars; one submission).

Conditions:
Pyruvate dehydrogenase E1-alpha deficiency (PDHAD). Also called: Ataxia, intermittent, with pyruvate dehydrogenase, or decarboxylase, deficiency; ATAXIA, INTERMITTENT, WITH PYRUVATE DEHYDROGENASE DEFICIENCY; ATAXIA WITH LACTIC ACIDOSIS I; ATAXIA, INTERMITTENT, WITH ABNORMAL PYRUVATE METABOLISM. Identifiers: Orphanet 79243, MedGen C1839413, MONDO:0010717, OMIM 312170.

Submission:

Variantyx, Inc.
Classification: Pathogenic for Pyruvate dehydrogenase E1-alpha deficiency. Last evaluated: 2025-09-23. Review status: criteria provided, single submitter. Criteria: Variantyx Assertion Criteria 2022. Collection method: clinical testing. Allele origin: maternal. Inheritance: X-linked dominant inheritance. Affected: yes.
Comment: This is a frameshift variant in the PDHA1 gene (OMIM: 300502). Pathogenic variants in this gene have been associated with X-linked pyruvate dehydrogenase E1-alpha deficiency. This variant introduces a premature termination codon in exon 11 out of 11. While not expected to result in nonsense-mediated decay (NMD), it is expected to lead to loss of function by truncating the C-terminal region of the protein. Other variants truncating similar regions of the protein have been reported in individuals affected by pyruvate dehydrogenase complex deficiency (PMID: 10679936, 26865159, 20002125) (PVS1). This variant is absent from control populations (PM2). Based on the current evidence, this variant is classified as pathogenic for X-linked pyruvate dehydrogenase E1-alpha deficiency.

Literature cited by the submitters: PubMed 10679936; PubMed 26865159; PubMed 20002125.